The following is an entry in ClinVar:

ClinVar aggregate classification (germline): Benign/Likely benign. Review status: criteria provided, multiple submitters, no conflicts (2 of 4 stars). 5 submissions from 5 submitters: Benign (3); Likely benign (2). Last evaluated 2026-07-01.

Allele frequency attached by ClinVar (database versions not stated): 1000 Genomes Project 30x 0.00016; 1000 Genomes Project 0.00020; ESP Exome Variant Server 0.00121; gnomAD 0.00122 and 0.00161; TOPMed 0.00148; gnomAD exomes 0.00157 and 0.00161; ExAC 0.00161.
gnomAD v4.1: 2,571 of 1,613,918 alleles (0.16%); highest among the groups gnomAD compares: Non-Finnish European, 0.17%; 9 homozygotes.

Submissions (5):

CeGaT Center for Human Genetics Tuebingen
Classification: Likely benign. Last evaluated: 2026-07-01. Review status: criteria provided, single submitter. Criteria: CeGaT Center For Human Genetics Tuebingen Variant Classification Criteria Version 2. Collection method: clinical testing. Allele origin: germline. Affected: yes. Observed: 24 variant alleles.
Comment: CACNA1G: BP4, BP7, BS1

Labcorp Genetics (formerly Invitae), Labcorp
Classification: Benign. Last evaluated: 2026-01-27. Review status: criteria provided, single submitter. Criteria: Invitae Variant Classification Sherloc (09022015). Collection method: clinical testing. Allele origin: germline.

Mayo Clinic Laboratories, Mayo Clinic
Classification: Benign. Last evaluated: 2025-08-20. Review status: criteria provided, single submitter. Criteria: ACMG Guidelines, 2015. Collection method: clinical testing. Allele origin: germline. Observed: 2 variant alleles.
Comment: BA1, BP4, BP7

Blueprint Genetics
Classification: Likely benign. Last evaluated: 2024-11-27. Review status: criteria provided, single submitter. Criteria: ACMG Guidelines, 2015. Collection method: clinical testing. Allele origin: germline.

GeneDx
Classification: Benign. Last evaluated: 2021-06-15. Review status: criteria provided, single submitter. Criteria: GeneDx Variant Classification Process June 2021. Collection method: clinical testing. Allele origin: germline. Affected: yes.

NM_018896.5(CACNA1G):c.4630C>A (p.Arg1544=)

Gene: CACNA1G (calcium voltage-gated channel subunit alpha1 G; plus strand). Cytogenetic location: 17q21.33.
Variant type: single nucleotide variant.
Coding change: c.4630C>A on transcript NM_018896.5 (MANE Select); coding-DNA position 4630, C replaced by A.
Protein change: p.Arg1544=; no amino-acid change (arginine 1544 retained).
Molecular consequence: synonymous variant. On other transcripts: non-coding transcript variant (5).
Genome position (GRCh38, 1-based): chr17:50,607,944, C>A. VCF-style: chr17-50607944-C-A. GRCh37 (hg19) VCF-style: chr17-48685305-C-A.
Other names: p.Arg1544=; c.4630C>A, p.Arg1544= (NM_001256324.2, NM_001256325.2, NM_001256327.2 and 9 more transcripts); c.4528C>A, p.Arg1510= (NM_001256326.2, NM_001256329.2, NM_001256330.2 and 1 more transcripts); c.4459C>A, p.Arg1487= (NM_001256332.2); c.4549C>A, p.Arg1517= (NM_001256359.2, NM_001256361.2); c.4555C>A, p.Arg1519= (NM_001256360.2); c.4561C>A, p.Arg1521= (NM_198376.3, NM_198379.3, NM_198382.3 and 4 more transcripts).
Identifiers: ClinVar variation 710238 (VCV000710238.39), dbSNP rs60532742, ClinGen allele CA8653109.
Genomic context (GRCh38, chr17:50,607,944, plus strand): 5'-GTGGCCTTCTTTGTCCTGAACATGTTTGTGGGTGTGGTGGTGGAGAACTTCCACAAGTGT[C>A]GGCAGCACCAGGAGGAAGAGGAGGCCCGGCGGCGGGAGGAGAAGCGCCTACGAAGACTGG-3'
Protein context (NP_061496.2, residues 1534-1554): GVVVENFHKC[Arg1544=]QHQEEEEARR